The following is an entry in ClinVar:

ClinVar aggregate classification (germline): Likely benign (1 of 4 stars; one submission).

Conditions:
Gamma-aminobutyric acid transaminase deficiency (GABATD). Also called: GABA transaminase deficiency; Gamma aminobutyrate transaminase deficiency; 4 alpha aminobutyrate transaminase deficiency; GABA aminotransaminase deficiency. Identifiers: Orphanet 2066, MedGen C0342708, MONDO:0013166, OMIM 613163.

Allele frequency attached by ClinVar (database versions not stated): gnomAD 0.00004 and 0.00027; TOPMed 0.00007; gnomAD exomes 0.00061; 1000 Genomes Project 0.00160; 1000 Genomes Project 30x 0.00203.
gnomAD v4.1: 59 of 184,720 alleles (0.032%); highest among the groups gnomAD compares: South Asian, 0.61%; 1 homozygote.

Submission:

Illumina Laboratory Services, Illumina
Classification: Likely benign for Gamma-aminobutyric acid transaminase deficiency. Last evaluated: 2018-01-12. Review status: criteria provided, single submitter. Criteria: ICSL Variant Classification Criteria 13 December 2019. Collection method: clinical testing. Allele origin: germline.
Comment: This variant was observed in the ICSL laboratory as part of a predisposition screen in an ostensibly healthy population. It had not been previously curated by ICSL or reported in the Human Gene Mutation Database (HGMD: prior to June 1st, 2018), and was therefore a candidate for classification through an automated scoring system. Utilizing variant allele frequency, disease prevalence and penetrance estimates, and inheritance mode, an automated score was calculated to assess if this variant is too frequent to cause the disease. Based on the score and internal cut-off values, a variant classified as likely benign is not then subjected to further curation. The score for this variant resulted in a classification of likely benign for this disease.

NM_020686.6(ABAT):c.*539C>T

Gene: ABAT (4-aminobutyrate aminotransferase; plus strand). Cytogenetic location: 16p13.2.
Variant type: single nucleotide variant.
Coding change: c.*539C>T on transcript NM_020686.6 (MANE Select); 539 bases downstream of the stop codon, C replaced by T.
Molecular consequence: 3 prime UTR variant.
Genome position (GRCh38, 1-based): chr16:8,781,969, C>T. VCF-style: chr16-8781969-C-T. GRCh37 (hg19) VCF-style: chr16-8875826-C-T.
Other names: c.*539C>T (NM_000663.5, NM_001127448.2, NM_001386600.1 and 14 more transcripts); c.*553C>T (NM_001386609.1, NM_001386616.1).
Identifiers: ClinVar variation 885468 (VCV000885468.4), dbSNP rs548945558, ClinGen allele CA277476099.